The following is an entry in ClinVar:

NM_001128425.2(MUTYH):c.177_178insCA (p.Glu60fs)

Gene: MUTYH (mutY DNA glycosylase; minus strand). Cytogenetic location: 1p34.1.
Variant type: Insertion.
Coding change: c.177_178insCA on transcript NM_001128425.2 (MANE Plus Clinical); coding-DNA positions 177 to 178, CA inserted.
Protein change: p.Glu60fs; shifts the reading frame from glutamic acid 60.
Molecular consequence: frameshift variant. On other transcripts: intron variant (10).
Genome position: GRCh38 VCF-style: chr1-45333583-C-CTG. GRCh37 (hg19) VCF-style: chr1-45799255-C-CTG.
Other names: c.126_127insCA, p.Glu43fs (NM_001293191.2); c.168_169insCA, p.Glu57fs (NM_012222.3); c.-92-87_-92-86insCA (NM_001350651.2); c.-97-87_-97-86insCA (NM_001293192.2, NM_001293196.2); c.-156-23_-156-22insCA (NM_001350650.2); c.116-23_116-22insCA (NM_001048171.2, NM_001048173.2, NM_001048174.2 and 1 more transcripts); c.158-20_158-19insCA (NM_001293190.2); c.116-20_116-19insCA (NM_001048172.2); short protein forms E57fs, E43fs, E60fs.
Identifiers: ClinVar variation 1356072 (VCV001356072.6), dbSNP rs2149176927, ClinGen allele CA2573132103.

ClinVar aggregate classification (germline): Pathogenic (1 of 4 stars; one submission).

Conditions:
Familial adenomatous polyposis 2. Also called: MYH-associated polyposis; FAP type 2; MUTYH-associated polyposis; MUTYH-related attenuated familial adenomatous polyposis; Adenomas, multiple colorectal; COLORECTAL ADENOMATOUS POLYPOSIS, AUTOSOMAL RECESSIVE. Identifiers: Orphanet 220460, Orphanet 247798, MedGen C3272841, MONDO:0012041, OMIM 608456.

Submission:

Labcorp Genetics (formerly Invitae), Labcorp
Classification: Pathogenic for Familial adenomatous polyposis 2. Last evaluated: 2021-10-15. Review status: criteria provided, single submitter. Criteria: Invitae Variant Classification Sherloc (09022015). Collection method: clinical testing. Allele origin: germline.
Comment: For these reasons, this variant has been classified as Pathogenic. This variant has not been reported in the literature in individuals affected with MUTYH-related conditions. This variant is not present in population databases (ExAC no frequency). This sequence change creates a premature translational stop signal (p.Glu60Glnfs*32) in the MUTYH gene. It is expected to result in an absent or disrupted protein product. Loss-of-function variants in MUTYH are known to be pathogenic (PMID: 18534194, 20663686).

Literature cited by the submitters: PubMed 18534194; PubMed 20663686.